The following is an entry in ClinVar:

NM_001927.4(DES):c.639+13_639+15del

Gene: DES (desmin; plus strand). Cytogenetic location: 2q35.
Variant type: Microsatellite.
Coding change: c.639+13_639+15del on transcript NM_001927.4 (MANE Select); bases 13 to 15 of the intron after coding-DNA position 639, 3 bases deleted (CTT; older notation c.639+13_639+15delCTT).
Molecular consequence: intron variant.
Genome position (GRCh38, 1-based): chr2:219,420,168-219,420,170, CTT deleted; deleting any 3 consecutive bases within chr2:219,420,165-219,420,170 gives the same sequence; the c. name uses the placement nearest the transcript's 3' end. VCF-style (leftmost placement, unchanged base first): chr2-219420164-CCTT-C. GRCh37 (hg19) VCF-style: chr2-220284886-CCTT-C.
Other names: c.639+13_639+15del (NM_001382712.1, NM_001382711.1, NM_001382710.1 and 1 more transcripts); c.636+16_636+18del (NM_001382708.1); c.496-357_496-355del (NM_001382713.1).
Identifiers: ClinVar variation 227282 (VCV000227282.13), dbSNP rs876657448, ClinGen allele CA2125096.

ClinVar aggregate classification (germline): Likely benign. Review status: criteria provided, multiple submitters, no conflicts (2 of 4 stars). 2 submissions from 2 submitters: Likely benign (2). Last evaluated 2024-05-08.

Conditions:
Desmin-related myofibrillar myopathy (MFM1). Also called: Desminopathy; MYOFIBRILLAR MYOPATHY WITH ARRHYTHMOGENIC RIGHT VENTRICULAR CARDIOMYOPATHY; DESMIN-RELATED MYOPATHY WITH ARRHYTHMOGENIC RIGHT VENTRICULAR CARDIOMYOPATHY; Myofibrillar myopathy 1; Desmin related myopathy (former name); Desmin storage myopathy (former name). Identifiers: Orphanet 363543, Orphanet 98909, MedGen C1832370, MONDO:0011076, OMIM 601419.

Submissions (2):

Labcorp Genetics (formerly Invitae), Labcorp
Classification: Likely benign for Desmin-related myofibrillar myopathy. Last evaluated: 2024-05-08. Review status: criteria provided, single submitter. Criteria: Invitae Variant Classification Sherloc (09022015). Collection method: clinical testing. Allele origin: germline.

Laboratory for Molecular Medicine, Mass General Brigham Personalized Medicine
Classification: Likely benign. Last evaluated: 2014-12-19. Review status: criteria provided, single submitter. Criteria: LMM Criteria. Collection method: clinical testing. Allele origin: germline. Observed: 1 variant allele.
Comment: c.639+13_639+15del in intron 2 of DES: This variant is not expected to have clin ical significance because it is not located within the splice consensus sequence .